The following is an entry in ClinVar:

NM_000088.4(COL1A1):c.2227G>T (p.Gly743Cys)

Gene: COL1A1 (collagen type I alpha 1 chain; minus strand). Cytogenetic location: 17q21.33.
Variant type: single nucleotide variant.
Coding change: c.2227G>T on transcript NM_000088.4 (MANE Select); coding-DNA position 2227, G replaced by T.
Protein change: p.Gly743Cys; replaces glycine 743 with cysteine.
Molecular consequence: missense variant.
Genome position (GRCh38, 1-based): chr17:50,191,391, C>A on the plus strand (G>T on the coding strand, the complement: COL1A1 is on the minus strand). VCF-style: chr17-50191391-C-A. GRCh37 (hg19) VCF-style: chr17-48268752-C-A.
Other names: short protein forms G743C.
Identifiers: ClinVar variation 5042502 (VCV005042502.1).

ClinVar aggregate classification (germline): Pathogenic (1 of 4 stars; one submission).

Conditions:
Osteogenesis imperfecta type I (OI1). Also called: OI, TYPE I; OSTEOGENESIS IMPERFECTA TARDA; OSTEOGENESIS IMPERFECTA WITH BLUE SCLERAE; Osteogenesis imperfecta type 1; Lobstein's Disease; Lobstein disease. Identifiers: Orphanet 216796, Orphanet 666, MedGen C0023931, MONDO:0008146, OMIM 166200. Disease mechanism: loss of function.

Submission:

Center for Pediatric Genomic Medicine, Children's Mercy Hospital and Clinics
Classification: Pathogenic for Osteogenesis imperfecta type I. Last evaluated: 2021-11-01. Review status: criteria provided, single submitter. Criteria: ACMG Guidelines, 2015. Collection method: clinical testing. Allele origin: de novo. Affected: yes.
Comment: PS2, PM1, PM2, PM5, PP3